The following is an entry in ClinVar:

NM_000939.4(POMC):c.213C>A (p.Thr71=)

Gene: POMC (proopiomelanocortin; minus strand). Cytogenetic location: 2p23.3.
Variant type: single nucleotide variant.
Coding change: c.213C>A on transcript NM_000939.4 (MANE Select); coding-DNA position 213, C replaced by A.
Protein change: p.Thr71=; no amino-acid change (threonine 71 retained).
Molecular consequence: synonymous variant.
Genome position (GRCh38, 1-based): chr2:25,161,672, G>T on the plus strand (C>A on the coding strand, the complement: POMC is on the minus strand). VCF-style: chr2-25161672-G-T. GRCh37 (hg19) VCF-style: chr2-25384541-G-T.
Other names: c.213C>A, p.Thr71= (NM_001035256.3, NM_001319204.2, NM_001319205.2).
Identifiers: ClinVar variation 4997064 (VCV004997064.1).
Genomic context (GRCh38, chr2:25,161,672, plus strand): 5'-GTTGCGGCGGCCGAATCGGTCCCAGCGGAAGTGGCCCATGACGTACTTCCGGGGGTTCTC[G>T]GTCAGAGGCTGCTCGTCGCCATTTCCCGGGAACATGGGAGTCTCGGCCGAGAGGTCGGGC-3'
Protein context (NP_000930.1, residues 61-81): FPGNGDEQPL[Thr71=]ENPRKYVMGH

ClinVar aggregate classification (germline): Likely benign (1 of 4 stars; one submission).

Conditions:
POMC-related disorder. Also called: POMC-related disorders; POMC-related condition.

gnomAD v4.1: 2 of 1,566,572 alleles (0.00013%); highest among the groups gnomAD compares: Admixed American, 0.0019%; no homozygotes.

Submission:

PreventionGenetics, part of Exact Sciences
Classification: Likely benign for POMC-related condition. Last evaluated: 2025-01-15. Review status: criteria provided, single submitter. Criteria: ACMG Guidelines, 2015. Collection method: clinical testing. Allele origin: germline.
Comment: This variant is classified as likely benign based on ACMG/AMP sequence variant interpretation guidelines (Richards et al. 2015 PMID: 25741868, with internal and published modifications).